The following is an entry in ClinVar:

NM_000407.5(GP1BB):c.215C>T (p.Pro72Leu)

Genes: GP1BB (glycoprotein Ib platelet subunit beta; plus strand), SEPT5-GP1BB (SEPT5-GP1BB readthrough; plus strand). Cytogenetic location: 22q11.21.
Variant type: single nucleotide variant.
Coding change: c.215C>T on transcript NM_000407.5 (MANE Select); coding-DNA position 215, C replaced by T.
Protein change: p.Pro72Leu; replaces proline 72 with leucine.
Molecular consequence: missense variant. On other transcripts: non-coding transcript variant (2).
Genome position (GRCh38, 1-based): chr22:19,724,058, C>T. VCF-style: chr22-19724058-C-T. GRCh37 (hg19) VCF-style: chr22-19711581-C-T.
Other names: short protein forms P72L.
Identifiers: ClinVar variation 1034192 (VCV001034192.3), dbSNP rs755380704, ClinGen allele CA10102331.

ClinVar aggregate classification (germline): Uncertain significance. Review status: criteria provided, multiple submitters, no conflicts (2 of 4 stars). 3 submissions from 3 submitters: Uncertain significance (3). Last evaluated 2023-11-13.

Conditions:
Bernard Soulier syndrome (BSS). Also called: BLEEDING DISORDER, PLATELET-TYPE, 1; PLATELET GLYCOPROTEIN Ib DEFICIENCY; Platelet Glycoprotein 1b, Deficiency of; VON WILLEBRAND FACTOR RECEPTOR DEFICIENCY; GLYCOPROTEIN Ib, PLATELET, DEFICIENCY OF; Giant platelet syndrome. Identifiers: Orphanet 274, MedGen C0005129, MeSH D001606, MONDO:0009276, OMIM 231200.

Allele frequency attached by ClinVar (database versions not stated): gnomAD exomes 0.00002 and 0.00006; ExAC 0.00008; gnomAD 0.00017 and 0.00020; TOPMed 0.00021.

Submissions (3):

Ambry Genetics
Classification: Uncertain significance. Last evaluated: 2023-11-13. Review status: criteria provided, single submitter. Criteria: Ambry Variant Classification Scheme 2023. Collection method: clinical testing. Allele origin: germline.

Baylor Genetics
Classification: Uncertain significance for Bernard Soulier syndrome. Last evaluated: 2018-04-09. Review status: criteria provided, single submitter. Criteria: ACMG Guidelines, 2015. Collection method: clinical testing. Allele origin: maternal. Affected: yes.
Comment: This variant was determined to be of uncertain significance according to ACMG Guidelines, 2015 [PMID:25741868].

Breakthrough Genomics
Classification: Uncertain significance. Review status: criteria provided, single submitter. Criteria: ACMG Guidelines, 2015. Collection method: not provided. Allele origin: germline. Inheritance: Autosomal dominant inheritance. Affected: yes.